The following is an entry in ClinVar:

ClinVar aggregate classification (germline): Pathogenic (1 of 4 stars; one submission).

Conditions:
Renal cysts and diabetes syndrome (RCAD). Also called: MATURITY-ONSET DIABETES OF THE YOUNG, TYPE 5; Familial hypoplastic, glomerulocystic kidney. Identifiers: Orphanet 93111, MedGen C0431693, MONDO:0007669, OMIM 137920.

Submission:

MVZ Medizinische Genetik Mainz
Classification: Pathogenic for Renal cysts and diabetes syndrome. Last evaluated: 2021-09-03. Review status: criteria provided, single submitter. Criteria: UK Practice Guidelines For Variant Classification V4 01 2020. Collection method: clinical testing. Allele origin: germline. Inheritance: Autosomal dominant inheritance. Affected: yes. Observed: 1 variant allele.
Comment: ACMG Criteria: PVS1, PM2_SUP, PP4 (ACMG Version 3)

NM_000458.4(HNF1B):c.1397_1404del (p.Leu466fs)

Gene: HNF1B (HNF1 homeobox B; minus strand). Cytogenetic location: 17q12.
Variant type: Deletion.
Coding change: c.1397_1404del on transcript NM_000458.4 (MANE Select); coding-DNA positions 1397 to 1404, 8 bases deleted (TGGCAGCC; older notation c.1397_1404delTGGCAGCC).
Protein change: p.Leu466fs; shifts the reading frame from leucine 466.
Molecular consequence: frameshift variant. On other transcripts: intron variant (1).
Genome position (GRCh38, 1-based): chr17:37,701,113-37,701,120, GGCTGCCA deleted on the plus strand (TGGCAGCC on the coding strand, the reverse complement: HNF1B is on the minus strand); deleting any 8 consecutive bases within chr17:37,701,113-37,701,127 gives the same sequence; the c. name uses the placement nearest the transcript's 3' end. VCF-style (leftmost placement, unchanged base first): chr17-37701112-GGGCTGCCA-G. GRCh37 (hg19) VCF-style: chr17-36061117-GGGCTGCCA-G.
Other names: c.1319_1326del, p.Leu440fs (NM_001165923.4); c.1397_1404del, p.Leu466fs (NM_001411100.1); c.1261+3797_1261+3804del (NM_001304286.2); short protein forms L440fs, L466fs.
Identifiers: ClinVar variation 3234111 (VCV003234111.1), dbSNP rs2511700721, ClinGen allele CA2825002498.
Genomic context (GRCh38, chr17:37,701,112, plus strand): 5'-GCTGCATGAGGGGCTGCTGGTGAGGGCTGTGCAGCTGCTGGGAGAACTGGACGGGCTGCA[GGGCTGCCA>G]GGCTGCCGGCCACACTGTTGATGACAGGGACACTCTGTGCTTGGGAGGTGTTGAGGCCTG-3'